The following is an entry in ClinVar:

NM_002114.4(HIVEP1):c.1871A>G (p.Gln624Arg)

Gene: HIVEP1 (HIVEP zinc finger 1; plus strand). Cytogenetic location: 6p24.1.
Variant type: single nucleotide variant.
Coding change: c.1871A>G on transcript NM_002114.4 (MANE Select); coding-DNA position 1871, A replaced by G.
Protein change: p.Gln624Arg; replaces glutamine 624 with arginine.
Molecular consequence: missense variant.
Genome position (GRCh38, 1-based): chr6:12,121,666, A>G. VCF-style: chr6-12121666-A-G. GRCh37 (hg19) VCF-style: chr6-12121899-A-G.
Other names: short protein forms Q624R.
Identifiers: ClinVar variation 3053900 (VCV003053900.2), dbSNP rs543109288, ClinGen allele CA3637279.
Genomic context (GRCh38, chr6:12,121,666, plus strand): 5'-TTTCAGCCAACATGTCCCAGGGTGGAGTCTCCAGGTTGGAGACTAATGAGAATTCCCACC[A>G]GAAAGGCGACATGAATCCACTGGAAGGAAAGCAAGACTCTCACGTAGGAACGGTACACGC-3'
Protein context (NP_002105.3, residues 614-634): SRLETNENSH[Gln624Arg]KGDMNPLEGK

ClinVar aggregate classification (germline): Likely benign (0 of 4 stars; one submission).

Conditions:
HIVEP1-related disorder. Also called: HIVEP1-related condition.

Allele frequency attached by ClinVar (database versions not stated): TOPMed 0.00003; gnomAD 0.00007; gnomAD exomes 0.00017; ExAC 0.00044; 1000 Genomes Project 0.00060; 1000 Genomes Project 30x 0.00078.
gnomAD v4.1: 256 of 1,614,220 alleles (0.016%); highest among the groups gnomAD compares: South Asian, 0.27%; no homozygotes.

Submission:

PreventionGenetics, part of Exact Sciences
Classification: Likely benign for HIVEP1-related condition. Last evaluated: 2022-04-06. Review status: no assertion criteria provided. Collection method: clinical testing. Allele origin: germline.
Comment: This variant is classified as likely benign based on ACMG/AMP sequence variant interpretation guidelines (Richards et al. 2015 PMID: 25741868, with internal and published modifications).